The following is an entry in ClinVar:

ClinVar aggregate classification (germline): Uncertain significance. Review status: criteria provided, multiple submitters, no conflicts (2 of 4 stars). 2 submissions from 2 submitters: Uncertain significance (2). Last evaluated 2022-03-14.

Conditions:
GNE myopathy (NM). Also called: INCLUSION BODY MYOPATHY, HEREDITARY, AUTOSOMAL RECESSIVE; INCLUSION BODY MYOPATHY 2, AUTOSOMAL RECESSIVE; MYOPATHY, DISTAL, WITH OR WITHOUT RIMMED VACUOLES; NONAKA DISTAL MYOPATHY; IBM 2; Inclusion body myopathy autosomal recessive. Identifiers: Orphanet 602, MedGen C1853926, MONDO:0011603, OMIM 605820.
Sialuria. Also called: SIALURIA, FRENCH TYPE; Sialic Acid Storage Disease. Identifiers: Orphanet 3166, MedGen C0342853, MONDO:0010028, OMIM 269921.

Submissions (2):

Labcorp Genetics (formerly Invitae), Labcorp
Classification: Uncertain significance for Sialuria; GNE myopathy. Last evaluated: 2022-03-14. Review status: criteria provided, single submitter. Criteria: Invitae Variant Classification Sherloc (09022015). Collection method: clinical testing. Allele origin: germline.
Comment: In summary, the available evidence is currently insufficient to determine the role of this variant in disease. Therefore, it has been classified as a Variant of Uncertain Significance. Advanced modeling of protein sequence and biophysical properties (such as structural, functional, and spatial information, amino acid conservation, physicochemical variation, residue mobility, and thermodynamic stability) performed at Invitae indicates that this missense variant is not expected to disrupt GNE protein function. ClinVar contains an entry for this variant (Variation ID: 595222). This variant has not been reported in the literature in individuals affected with GNE-related conditions. This variant is not present in population databases (gnomAD no frequency). This sequence change replaces glutamine, which is neutral and polar, with histidine, which is basic and polar, at codon 371 of the GNE protein (p.Gln371His).

Eurofins Ntd Llc (ga)
Classification: Uncertain significance. Last evaluated: 2017-12-05. Review status: criteria provided, single submitter. Criteria: EGL Classification Definitions 2015. Collection method: clinical testing. Allele origin: germline. Observed: 1 variant allele, 1 heterozygote.

NM_005476.7(GNE):c.1020A>C (p.Gln340His)

Gene: GNE (glucosamine (UDP-N-acetyl)-2-epimerase/N-acetylmannosamine kinase; minus strand). Cytogenetic location: 9p13.3.
Variant type: single nucleotide variant.
Coding change: c.1020A>C on transcript NM_005476.7 (MANE Select); coding-DNA position 1020, A replaced by C.
Protein change: p.Gln340His; replaces glutamine 340 with histidine.
Molecular consequence: missense variant.
Genome position (GRCh38, 1-based): chr9:36,229,071, T>G on the plus strand (A>C on the coding strand, the complement: GNE is on the minus strand). VCF-style: chr9-36229071-T-G. GRCh37 (hg19) VCF-style: chr9-36229068-T-G.
Other names: c.1113A>C, p.Gln371His (NM_001128227.3); c.1020A>C, p.Gln340His (NM_001190383.3); c.690A>C, p.Gln230His (NM_001190384.3); c.843A>C, p.Gln281His (NM_001190388.2, NM_001374798.1); c.867A>C, p.Gln289His (NM_001374797.1); short protein forms Q340H, Q371H, Q230H, Q281H, Q289H.
Identifiers: ClinVar variation 595222 (VCV000595222.9), dbSNP rs747807631, ClinGen allele CA373430047.